The following is an entry in ClinVar:

NM_001130438.3(SPTAN1):c.5733+3G>A

Gene: SPTAN1 (spectrin alpha, non-erythrocytic 1; plus strand). Cytogenetic location: 9q34.11.
Variant type: single nucleotide variant.
Coding change: c.5733+3G>A on transcript NM_001130438.3 (MANE Select); 3 bases into the intron after coding-DNA position 5733, G replaced by A.
Molecular consequence: intron variant.
Genome position (GRCh38, 1-based): chr9:128,619,006, G>A. VCF-style: chr9-128619006-G-A. GRCh37 (hg19) VCF-style: chr9-131381285-G-A.
Other names: c.5769+3G>A (NM_001375318.1, NM_001375312.2); c.5733+3G>A (NM_001375311.2, NM_001375310.1, NM_001363759.2 and 1 more transcripts); c.5673+3G>A (NM_001375314.2, NM_001363765.2); c.5718+3G>A (NM_003127.4); c.5658+3G>A (NM_001195532.2).
Identifiers: ClinVar variation 2879393 (VCV002879393.4), dbSNP rs2541981716, ClinGen allele CA2739265110.
Genomic context (GRCh38, chr9:128,619,006, plus strand): 5'-TGAGAAAATGACCCTGGTGGCCAGCGAAGATTATGGCGACACTCTTGCCGCCATCCAGGT[G>A]AGACAGAAACCAAAGGTGTCACCTGCTTTCTCTCTTGGCAACTGCCTGCTGGTCATCATT-3'

ClinVar aggregate classification (germline): Uncertain significance. Review status: criteria provided, multiple submitters, no conflicts (2 of 4 stars). 2 submissions from 2 submitters: Uncertain significance (2). Last evaluated 2024-02-26.

Conditions:
Early-infantile DEE. Also called: Ohtahara syndrome; Early infantile epileptic encephalopathy; Early infantile epileptic encephalopathy with suppression bursts. Identifiers: Orphanet 1934, MedGen C0393706, MONDO:0800491.

Submissions (2):

Labcorp Genetics (formerly Invitae), Labcorp
Classification: Uncertain significance for Early-infantile DEE. Last evaluated: 2024-02-26. Review status: criteria provided, single submitter. Criteria: Invitae Variant Classification Sherloc (09022015). Collection method: clinical testing. Allele origin: germline.
Comment: This sequence change falls in intron 44 of the SPTAN1 gene. It does not directly change the encoded amino acid sequence of the SPTAN1 protein. It affects a nucleotide within the consensus splice site. This variant is not present in population databases (gnomAD no frequency). This variant has not been reported in the literature in individuals affected with SPTAN1-related conditions. Variants that disrupt the consensus splice site are a relatively common cause of aberrant splicing (PMID: 17576681, 9536098). Algorithms developed to predict the effect of sequence changes on RNA splicing suggest that this variant is not likely to affect RNA splicing. In summary, the available evidence is currently insufficient to determine the role of this variant in disease. Therefore, it has been classified as a Variant of Uncertain Significance.

Breakthrough Genomics
Classification: Uncertain significance. Review status: criteria provided, single submitter. Criteria: ACMG Guidelines, 2015. Collection method: not provided. Allele origin: germline. Inheritance: Autosomal dominant inheritance. Affected: yes.

Literature cited by the submitters: PubMed 17576681 (cited by Labcorp Genetics (formerly Invitae), Labcorp); PubMed 9536098 (cited by Labcorp Genetics (formerly Invitae), Labcorp).